The following is an entry in ClinVar:

ClinVar aggregate classification (germline): Likely pathogenic (3 of 4 stars; one submission).

Conditions:
RPGR-related retinopathy. Also called: RPGR retinopathy. Identifiers: MedGen CN305589, MONDO:0100437.

Submission:

ClinGen X-linked Inherited Retinal Disease Variant Curation Expert Panel, ClinGen
Classification: Likely pathogenic for RPGR-related retinopathy. Last evaluated: 2026-01-25. Review status: reviewed by expert panel. Criteria: ClinGen X LinkedIRD ACMG Specifications RPGR V1.0.0. Collection method: curation. Allele origin: germline. Inheritance: X-linked inheritance.
Comment: NM_001034853.2(RPGR):c.1060-1G>A is a canonical splice site variant in intron 9 that is predicted to disrupt splicing and induce skipping of exon 10, which is expected to disrupt a critical functional domain in RPGR (PVS1). This variant is absent from gnomAD v4.1.0 (PM2_Supporting). This variant has been reported in at least 1 proband meeting one of the PS4 requirements of some functional vision impairment in affected males by age 30 years, and/or decreased or absent electroretinogram responses (PMID: 34745198). However, PS4_Supporting requires at least 2 unrelated probands, so this criterion was not met. At least one proband harboring this variant exhibits a phenotype including childhood onset (1 pts), night blindness (0.5 pts), reduced visual acuity (0.5 pts), and genetic testing by whole exome sequencing with a 126-gene panel that did not identify an alternative basis for retinal disease (2 pts), which together are specific for RPGR-related retinopathy (4 points), however, electroretinogram responses were not reported so the PP4 code could not be met. In summary, this variant is classified as likely pathogenic for RPGR-related retinopathy based on the ClinGen X-linked Inherited Retinal Disease Expert Panel Specifications to the ACMG/AMP Variant Interpretation Guidelines for RPGR Version 1.0.0; PVS1 and PM2_Supporting.

NM_001034853.2(RPGR):c.1060-1G>A

Gene: RPGR (retinitis pigmentosa GTPase regulator; minus strand).
Variant type: single nucleotide variant.
Coding change: c.1060-1G>A on transcript NM_001034853.2 (MANE Select); the canonical splice acceptor site of the intron before coding-DNA position 1060, G replaced by A.
Molecular consequence: splice acceptor variant. On other transcripts: intron variant (2).
Other names: NM_001034853.2:c.1060-1G>A; c.1057-1G>A (NM_001367249.1, NM_001367250.1, NM_001367245.1); c.1060-1690G>A (NM_001367251.1, NM_001367246.1); c.1060-1G>A (NM_001367247.1, NM_000328.3); c.1090-1G>A (NM_001367248.1).
Identifiers: ClinVar variation 4686679 (VCV004686679.1).